The following is an entry in ClinVar:

NM_170606.3(KMT2C):c.11620G>A (p.Glu3874Lys)

Gene: KMT2C (lysine methyltransferase 2C; minus strand). Cytogenetic location: 7q36.1.
Variant type: single nucleotide variant.
Coding change: c.11620G>A on transcript NM_170606.3 (MANE Select); coding-DNA position 11620, G replaced by A.
Protein change: p.Glu3874Lys; replaces glutamic acid 3874 with lysine.
Molecular consequence: missense variant.
Genome position (GRCh38, 1-based): chr7:152,158,913, C>T on the plus strand (G>A on the coding strand, the complement: KMT2C is on the minus strand). VCF-style: chr7-152158913-C-T. GRCh37 (hg19) VCF-style: chr7-151855998-C-T.
Other names: short protein forms E3874K.
Identifiers: ClinVar variation 2761675 (VCV002761675.3), dbSNP rs2092276912, ClinGen allele CA370099782.

ClinVar aggregate classification (germline): Uncertain significance (1 of 4 stars; one submission).

Allele frequency attached by ClinVar (database versions not stated): gnomAD exomes below 0.00001; TOPMed 0.00001.
gnomAD v4.1: 3 of 1,614,184 alleles (0.00019%); highest among the groups gnomAD compares: East Asian, 0.0022%; no homozygotes.

Submission:

Labcorp Genetics (formerly Invitae), Labcorp
Classification: Uncertain significance. Last evaluated: 2024-10-24. Review status: criteria provided, single submitter. Criteria: Invitae Variant Classification Sherloc (09022015). Collection method: clinical testing. Allele origin: germline.
Comment: This sequence change replaces glutamic acid, which is acidic and polar, with lysine, which is basic and polar, at codon 3874 of the KMT2C protein (p.Glu3874Lys). This variant is not present in population databases (gnomAD no frequency). This variant has not been reported in the literature in individuals affected with KMT2C-related conditions. Invitae Evidence Modeling of protein sequence and biophysical properties (such as structural, functional, and spatial information, amino acid conservation, physicochemical variation, residue mobility, and thermodynamic stability) indicates that this missense variant is expected to disrupt KMT2C protein function with a positive predictive value of 80%. In summary, the available evidence is currently insufficient to determine the role of this variant in disease. Therefore, it has been classified as a Variant of Uncertain Significance.